The following is an entry in ClinVar:

NM_007294.4(BRCA1):c.2145C>G (p.Thr715=)

Gene: BRCA1 (BRCA1 DNA repair associated; minus strand). Cytogenetic location: 17q21.31.
Variant type: single nucleotide variant.
Coding change: c.2145C>G on transcript NM_007294.4 (MANE Select); coding-DNA position 2145, C replaced by G.
Protein change: p.Thr715=; no amino-acid change (threonine 715 retained).
Molecular consequence: synonymous variant. On other transcripts: intron variant (137).
Genome position (GRCh38, 1-based): chr17:43,093,386, G>C on the plus strand (C>G on the coding strand, the complement: BRCA1 is on the minus strand). VCF-style: chr17-43093386-G-C. GRCh37 (hg19) VCF-style: chr17-41245403-G-C.
Other names: c.643+1358C>G (NM_001408468.1, NM_001408470.1, NM_001408464.1 and 3 more transcripts); c.523+1358C>G (NM_001408501.1, NM_001408500.1, NM_001408497.1 and 3 more transcripts); c.646+1358C>G (NM_001408455.1, NM_001408466.1, NM_001408452.1 and 11 more transcripts); c.2001C>G, p.Thr667= (NM_001407845.1, NM_001407846.1, NM_001407847.1 and 20 more transcripts); c.2004C>G, p.Thr668= (NM_001407850.1, NM_001407851.1, NM_001407852.1 and 29 more transcripts); c.1932C>G, p.Thr644= (NM_001407853.1, NM_001407915.1, NM_001407916.1 and 9 more transcripts); c.2145C>G, p.Thr715= (NM_001407854.1, NM_001407858.1, NM_001407859.1 and 30 more transcripts); c.2142C>G, p.Thr714= (NM_001407860.1, NM_001407861.1, NM_001407587.1 and 22 more transcripts); and 41 more.
Identifiers: ClinVar variation 4848411 (VCV004848411.1).

ClinVar aggregate classification (germline): Likely benign (1 of 4 stars; one submission).

Submission:

Women's Health and Genetics/Laboratory Corporation of America, LabCorp
Classification: Likely benign. Last evaluated: 2026-04-20. Review status: criteria provided, single submitter. Criteria: LabCorp Variant Classification Summary - May 2015. Collection method: clinical testing. Allele origin: germline.
Comment: Variant summary: BRCA1 c.2145C>G results in a synonymous change. The variant allele was found at a frequency of 4e-06 in 251050 control chromosomes. The available data on variant occurrences in the general population are insufficient to allow any conclusion about variant significance. To our knowledge, no occurrence of c.2145C>G in individuals affected with BRCA1-related conditions and no experimental evidence demonstrating its impact on protein function have been reported. No submitters have cited clinical-significance assessments for this variant to ClinVar. Based on the evidence outlined above, the variant was classified as likely benign.